The following is an entry in ClinVar:

NM_001384474.1(LOXHD1):c.3874C>T (p.Leu1292Phe)

Gene: LOXHD1 (lipoxygenase homology PLAT domains 1; minus strand). Cytogenetic location: 18q21.1.
Variant type: single nucleotide variant.
Coding change: c.3874C>T on transcript NM_001384474.1 (MANE Select); coding-DNA position 3874, C replaced by T.
Protein change: p.Leu1292Phe; replaces leucine 1292 with phenylalanine.
Molecular consequence: missense variant.
Genome position (GRCh38, 1-based): chr18:46,541,815, G>A on the plus strand (C>T on the coding strand, the complement: LOXHD1 is on the minus strand). VCF-style: chr18-46541815-G-A. GRCh37 (hg19) VCF-style: chr18-44121778-G-A.
Other names: c.541C>T, p.Leu181Phe (NM_001145472.3); c.253C>T, p.Leu85Phe (NM_001308013.2); c.3874C>T, p.Leu1292Phe (NM_144612.7); short protein forms L1292F, L181F, L85F.
Identifiers: ClinVar variation 505370 (VCV000505370.13), dbSNP rs200792636, ClinGen allele CA8952423.

ClinVar aggregate classification (germline): Uncertain significance. Review status: criteria provided, multiple submitters, no conflicts (2 of 4 stars). 6 submissions from 6 submitters: Uncertain significance (5). 1 of the submissions does not count toward it. Last evaluated 2025-12-19.

Conditions:
Autosomal recessive nonsyndromic hearing loss 77. Identifiers: Orphanet 90636, MedGen C2746083, MONDO:0013119, OMIM 613079.

Allele frequency attached by ClinVar (database versions not stated): ExAC 0.00004; gnomAD exomes 0.00020; gnomAD 0.00031 and 0.00034; TOPMed 0.00037.
gnomAD v4.1: 683 of 1,551,632 alleles (0.044%); highest among the groups gnomAD compares: Non-Finnish European, 0.052%; no homozygotes.

Submissions (6):

Women's Health and Genetics/Laboratory Corporation of America, LabCorp
Classification: Uncertain significance. Last evaluated: 2025-12-19. Review status: criteria provided, single submitter. Criteria: LabCorp Variant Classification Summary - May 2015. Collection method: clinical testing. Allele origin: germline.
Comment: Variant summary: LOXHD1 c.3874C>T (p.Leu1292Phe) results in a non-conservative amino acid change in the encoded protein sequence. Algorithms developed to predict the effect of missense changes on protein structure and function are either unavailable or do not agree on the potential impact of this missense change. The variant allele was found at a frequency of 0.0002 in 158478 control chromosomes. This frequency is not significantly higher than estimated for disease-causing variants in LOXHD1, allowing no conclusion about variant significance. c.3874C>T has been observed in a Fuchs corneal dystrophy cohort (Riazuddin_2012). This report does not provide unequivocal conclusions about association of the variant with Nonsyndromic Hearing Loss And Deafness, Type 77. To our knowledge, no experimental evidence demonstrating an impact on protein function has been reported. ClinVar contains an entry for this variant (Variation ID: 505370). Based on the evidence outlined above, the variant was classified as uncertain significance.

Blueprint Genetics
Classification: Uncertain significance. Last evaluated: 2024-10-24. Review status: criteria provided, single submitter. Criteria: ACMG Guidelines, 2015. Collection method: clinical testing. Allele origin: germline.

Labcorp Genetics (formerly Invitae), Labcorp
Classification: Uncertain significance. Last evaluated: 2021-11-24. Review status: criteria provided, single submitter. Criteria: Invitae Variant Classification Sherloc (09022015). Collection method: clinical testing. Allele origin: germline.
Comment: This sequence change replaces leucine, which is neutral and non-polar, with phenylalanine, which is neutral and non-polar, at codon 1292 of the LOXHD1 protein (p.Leu1292Phe). This variant is present in population databases (rs200792636, gnomAD 0.08%). This variant has not been reported in the literature in individuals affected with LOXHD1-related conditions. ClinVar contains an entry for this variant (Variation ID: 505370). Algorithms developed to predict the effect of missense changes on protein structure and function are either unavailable or do not agree on the potential impact of this missense change (SIFT: "Deleterious"; PolyPhen-2: "Probably Damaging"; Align-GVGD: "Class C0"). In summary, the available evidence is currently insufficient to determine the role of this variant in disease. Therefore, it has been classified as a Variant of Uncertain Significance.

Illumina Laboratory Services, Illumina
Classification: Uncertain significance for Autosomal recessive nonsyndromic hearing loss 77. Last evaluated: 2017-04-28. Review status: criteria provided, single submitter. Criteria: ICSL Variant Classification Criteria 13 December 2019. Collection method: clinical testing. Allele origin: germline.
Comment: This variant was observed as part of a predisposition screen in an ostensibly healthy population. A literature search was performed for the gene, cDNA change, and amino acid change (where applicable). Publications were found based on this search. However, the evidence from the literature, in combination with allele frequency data from public databases where available, was not sufficient to rule this variant in or out of causing disease. Therefore, this variant is classified as a variant of unknown significance.

Laboratory for Molecular Medicine, Mass General Brigham Personalized Medicine
Classification: Uncertain significance. Last evaluated: 2016-10-25. Review status: criteria provided, single submitter. Criteria: LMM Criteria. Collection method: clinical testing. Allele origin: germline. Observed: 1 variant allele.
Comment: The p.Leu1292Phe variant in LOXHD1 has not been reported in any individual with hearing loss, but has been reported in 1 individual with Fuchs corneal dystrophy (Riazuddin 2012). This variant has also been identified in 1/8764 European chro mosomes by the Exome Aggregation Consortium (ExAC, g; dbSNP rs200792636). Computational prediction tools and conservation analyses do not provide strong support for or against an impact to the protein. In summar y, the clinical significance of the p.Leu1292Phe variant is uncertain.

Natera, Inc.
Classification: Uncertain significance for Autosomal recessive deafness type 77. Last evaluated: 2020-09-16. Review status: no assertion criteria provided. Collection method: clinical testing. Allele origin: germline. Not counted in ClinVar's aggregate classification.

Literature cited by the submitters: PubMed 22341973 (cited by 3 submitters).